The following is an entry in ClinVar:

NM_014159.7(SETD2):c.1319A>G (p.Tyr440Cys)

Gene: SETD2 (SET domain containing 2, histone lysine methyltransferase; minus strand). Cytogenetic location: 3p21.31.
Variant type: single nucleotide variant.
Coding change: c.1319A>G on transcript NM_014159.7 (MANE Select); coding-DNA position 1319, A replaced by G.
Protein change: p.Tyr440Cys; replaces tyrosine 440 with cysteine.
Molecular consequence: missense variant. On other transcripts: non-coding transcript variant (1).
Genome position (GRCh38, 1-based): chr3:47,123,317, T>C on the plus strand (A>G on the coding strand, the complement: SETD2 is on the minus strand). VCF-style: chr3-47123317-T-C. GRCh37 (hg19) VCF-style: chr3-47164807-T-C.
Other names: c.1187A>G, p.Tyr396Cys (NM_001349370.3); short protein forms Y396C, Y440C.
Identifiers: ClinVar variation 3361886 (VCV003361886.1).

ClinVar aggregate classification (germline): Uncertain significance (1 of 4 stars; one submission).

Submission:

GeneDx
Classification: Uncertain significance. Last evaluated: 2023-08-10. Review status: criteria provided, single submitter. Criteria: GeneDx Variant Classification Process June 2021. Collection method: clinical testing. Allele origin: germline. Affected: yes.
Comment: Not observed at significant frequency in large population cohorts (gnomAD); In silico analysis supports that this missense variant has a deleterious effect on protein structure/function; Has not been previously published as pathogenic or benign to our knowledge